The following is an entry in ClinVar:

NM_004984.4(KIF5A):c.414T>G (p.Ile138Met)

Gene: KIF5A (kinesin family member 5A; plus strand). Cytogenetic location: 12q13.3.
Variant type: single nucleotide variant.
Coding change: c.414T>G on transcript NM_004984.4 (MANE Select); coding-DNA position 414, T replaced by G.
Protein change: p.Ile138Met; replaces isoleucine 138 with methionine.
Molecular consequence: missense variant.
Genome position (GRCh38, 1-based): chr12:57,564,477, T>G. VCF-style: chr12-57564477-T-G. GRCh37 (hg19) VCF-style: chr12-57958260-T-G.
Other names: c.147T>G, p.Ile49Met (NM_001354705.2); short protein forms I138M, I49M.
Identifiers: ClinVar variation 2709806 (VCV002709806.3), dbSNP rs2540494257, ClinGen allele CA385495232.
Genomic context (GRCh38, chr12:57,564,477, plus strand): 5'-ATAGGCCCTCTTTACTTCACACTCCTTCTTTCTTCTTAACCAGGTTTCTTACTTTGAAAT[T>G]TACCTGGACAAAATTCGTGACCTTCTGGATGGTGAGTGTTTTGTCCCAGTGGATGAGGGT-3'
Protein context (NP_004975.2, residues 128-148): EFHIKVSYFE[Ile138Met]YLDKIRDLLD

ClinVar aggregate classification (germline): Uncertain significance (1 of 4 stars; one submission).

Conditions:
Spastic paraplegia. Identifiers: MedGen C0037772, HP:0001258.

Submission:

Labcorp Genetics (formerly Invitae), Labcorp
Classification: Uncertain significance for Spastic paraplegia. Last evaluated: 2024-01-17. Review status: criteria provided, single submitter. Criteria: Invitae Variant Classification Sherloc (09022015). Collection method: clinical testing. Allele origin: germline.
Comment: This sequence change replaces isoleucine, which is neutral and non-polar, with methionine, which is neutral and non-polar, at codon 138 of the KIF5A protein (p.Ile138Met). This variant is not present in population databases (gnomAD no frequency). This variant has not been reported in the literature in individuals affected with KIF5A-related conditions. Advanced modeling of protein sequence and biophysical properties (such as structural, functional, and spatial information, amino acid conservation, physicochemical variation, residue mobility, and thermodynamic stability) has been performed at Invitae for this missense variant, however the output from this modeling did not meet the statistical confidence thresholds required to predict the impact of this variant on KIF5A protein function. In summary, the available evidence is currently insufficient to determine the role of this variant in disease. Therefore, it has been classified as a Variant of Uncertain Significance.